The following is an entry in ClinVar:

NM_003742.4(ABCB11):c.3519T>C (p.Asn1173=)

Gene: ABCB11 (ATP binding cassette subfamily B member 11; minus strand). Cytogenetic location: 2q31.1.
Variant type: single nucleotide variant.
Coding change: c.3519T>C on transcript NM_003742.4 (MANE Select); coding-DNA position 3519, T replaced by C.
Protein change: p.Asn1173=; no amino-acid change (asparagine 1173 retained).
Molecular consequence: synonymous variant.
Genome position (GRCh38, 1-based): chr2:168,927,255, A>G on the plus strand (T>C on the coding strand, the complement: ABCB11 is on the minus strand). VCF-style: chr2-168927255-A-G. GRCh37 (hg19) VCF-style: chr2-169783765-A-G.
Identifiers: ClinVar variation 1114921 (VCV001114921.13), dbSNP rs755107806, ClinGen allele CA1950998.

ClinVar aggregate classification (germline): Likely benign. Review status: criteria provided, multiple submitters, no conflicts (2 of 4 stars). 2 submissions from 2 submitters: Likely benign (2). Last evaluated 2026-03-01.

Allele frequency attached by ClinVar (database versions not stated): gnomAD exomes 0.00001 and 0.00004; ExAC 0.00002.
gnomAD v4.1: 53 of 1,613,850 alleles (0.0033%); highest among the groups gnomAD compares: Non-Finnish European, 0.0045%; no homozygotes.

Submissions (2):

CeGaT Center for Human Genetics Tuebingen
Classification: Likely benign. Last evaluated: 2026-03-01. Review status: criteria provided, single submitter. Criteria: CeGaT Center For Human Genetics Tuebingen Variant Classification Criteria Version 2. Collection method: clinical testing. Allele origin: germline. Affected: yes. Observed: 1 variant allele.
Comment: ABCB11: BP4, BP7

Labcorp Genetics (formerly Invitae), Labcorp
Classification: Likely benign. Last evaluated: 2024-02-10. Review status: criteria provided, single submitter. Criteria: Invitae Variant Classification Sherloc (09022015). Collection method: clinical testing. Allele origin: germline.